The following is an entry in ClinVar:

NM_002081.3(GPC1):c.1251C>T (p.Asn417=)

Gene: GPC1 (glypican 1; plus strand). Cytogenetic location: 2q37.3.
Variant type: single nucleotide variant.
Coding change: c.1251C>T on transcript NM_002081.3 (MANE Select); coding-DNA position 1251, C replaced by T.
Protein change: p.Asn417=; no amino-acid change (asparagine 417 retained).
Molecular consequence: synonymous variant.
Genome position (GRCh38, 1-based): chr2:240,465,193, C>T. VCF-style: chr2-240465193-C-T. GRCh37 (hg19) VCF-style: chr2-241404610-C-T.
Identifiers: ClinVar variation 3770762 (VCV003770762.13).

ClinVar aggregate classification (germline): Likely benign (1 of 4 stars; one submission).

Submission:

CeGaT Center for Human Genetics Tuebingen
Classification: Likely benign. Last evaluated: 2025-02-01. Review status: criteria provided, single submitter. Criteria: CeGaT Center For Human Genetics Tuebingen Variant Classification Criteria Version 2. Collection method: clinical testing. Allele origin: germline. Affected: yes. Observed: 1 variant allele.
Comment: GPC1: BP4, BP7